The following is an entry in ClinVar:

NM_016239.4(MYO15A):c.6628C>T (p.Gln2210Ter)

Gene: MYO15A (myosin XVA; plus strand). Cytogenetic location: 17p11.2.
Variant type: single nucleotide variant.
Coding change: c.6628C>T on transcript NM_016239.4 (MANE Select); coding-DNA position 6628, C replaced by T.
Protein change: p.Gln2210Ter; replaces glutamine 2210 with a stop codon.
Molecular consequence: nonsense.
Genome position (GRCh38, 1-based): chr17:18,148,147, C>T. VCF-style: chr17-18148147-C-T. GRCh37 (hg19) VCF-style: chr17-18051461-C-T.
Other names: short protein forms Q2210*.
Identifiers: ClinVar variation 2735186 (VCV002735186.4), dbSNP rs2545276422, ClinGen allele CA398610624.

ClinVar aggregate classification (germline): Pathogenic. Review status: criteria provided, multiple submitters, no conflicts (2 of 4 stars). 2 submissions from 2 submitters: Pathogenic (2). Last evaluated 2024-11-02.

Conditions:
Autosomal recessive nonsyndromic hearing loss 3. Also called: NEUROSENSORY NONSYNDROMIC RECESSIVE DEAFNESS 3. Identifiers: Orphanet 90636, MedGen C1838263, MONDO:0010860, OMIM 600316.

Submissions (2):

ENT and Head and Neck Research Center and Department,  The Five Senses Health Institute, Iran University of Medical Sciences
Classification: Pathogenic for Autosomal recessive nonsyndromic hearing loss 3. Last evaluated: 2024-11-02. Review status: criteria provided, single submitter. Criteria: ClinGen HL ACMG Specifications v1. Collection method: clinical testing. Allele origin: germline. Affected: yes.
Comment: PVS1: Null variant (nonsense) in gene MYO15A, predicted to cause NMD. Loss-of-function is a known mechanism of disease (gene has 448 reported pathogenic LOF variants). The exon affects 2 functional domains: UniProt protein MYO15_HUMAN domain 'MyTH4 2' and UniProt protein MYO15_HUMAN region of interest 'Tail'. The exon contains 4 pathogenic variants. The truncated region contains 68 pathogenic variants., PM2: GnomAD genomes homozygous allele count = 0 is less than 2 for AR gene MYO15A, good gnomAD genomes coverage = 32.2, PP5: Combined evidence strength is Moderate (score = 2).Moderate: ClinVar classifies this variant as Pathogenic, 2 stars (reviewed Mar '24, 3 submissions), citing 5 articles (35346193 , 33095980 , 30896630, 23208854 and 17546645).

Labcorp Genetics (formerly Invitae), Labcorp
Classification: Pathogenic. Last evaluated: 2023-07-03. Review status: criteria provided, single submitter. Criteria: Invitae Variant Classification Sherloc (09022015). Collection method: clinical testing. Allele origin: germline.
Comment: This sequence change creates a premature translational stop signal (p.Gln2210*) in the MYO15A gene. While this is not anticipated to result in nonsense mediated decay, it is expected to disrupt the last 1321 amino acid(s) of the MYO15A protein. This variant is not present in population databases (gnomAD no frequency). This variant has not been reported in the literature in individuals affected with MYO15A-related conditions. This variant disrupts a region of the MYO15A protein in which other variant(s) (p.Glu2212Lys) have been determined to be pathogenic (PMID: 26969326, 35346193; Invitae). This suggests that this is a clinically significant region of the protein, and that variants that disrupt it are likely to be disease-causing. For these reasons, this variant has been classified as Pathogenic.

Literature cited by the submitters: DOI 10.1038/s41598-025-99417-7 (cited by ENT and Head and Neck Research Center and Department,  The Five Senses Health Institute, Iran University of Medical Sciences); PubMed 26969326 (cited by Labcorp Genetics (formerly Invitae), Labcorp); PubMed 35346193 (cited by Labcorp Genetics (formerly Invitae), Labcorp).